The following is an entry in ClinVar:

ClinVar aggregate classification (germline): Uncertain significance (1 of 4 stars; one submission).

Conditions:
Inborn genetic diseases. Identifiers: MedGen C0950123, MeSH D030342.

gnomAD v4.1: 3 of 1,614,132 alleles (0.00019%); highest among the groups gnomAD compares: South Asian, 0.0022%; no homozygotes.

Submission:

Ambry Genetics
Classification: Uncertain significance for Inborn genetic diseases. Last evaluated: 2025-02-28. Review status: criteria provided, single submitter. Criteria: Ambry Variant Classification Scheme 2023. Collection method: clinical testing. Allele origin: germline.
Comment: The p.N84S variant (also known as c.251A>G), located in coding exon 1 of the SAMD9L gene, results from an A to G substitution at nucleotide position 251. The asparagine at codon 84 is replaced by serine, an amino acid with highly similar properties. This amino acid position is conserved. In addition, this alteration is predicted to be tolerated by in silico analysis. Based on the available evidence, the clinical significance of this variant remains unclear.

NM_152703.5(SAMD9L):c.251A>G (p.Asn84Ser)

Gene: SAMD9L (sterile alpha motif domain containing 9 like; minus strand). Cytogenetic location: 7q21.2.
Variant type: single nucleotide variant.
Coding change: c.251A>G on transcript NM_152703.5 (MANE Select); coding-DNA position 251, A replaced by G.
Protein change: p.Asn84Ser; replaces asparagine 84 with serine.
Molecular consequence: missense variant.
Genome position (GRCh38, 1-based): chr7:93,135,721, T>C on the plus strand (A>G on the coding strand, the complement: SAMD9L is on the minus strand). VCF-style: chr7-93135721-T-C. GRCh37 (hg19) VCF-style: chr7-92765034-T-C.
Other names: c.251A>G, p.Asn84Ser (NM_001303496.3, NM_001303497.3, NM_001303498.3 and 5 more transcripts); short protein forms N84S.
Identifiers: ClinVar variation 3792468 (VCV003792468.1).